The following is an entry in ClinVar:

NM_000441.2(SLC26A4):c.1790T>A (p.Leu597Ter)

Gene: SLC26A4 (solute carrier family 26 member 4; plus strand). Cytogenetic location: 7q22.3.
Variant type: single nucleotide variant.
Coding change: c.1790T>A on transcript NM_000441.2 (MANE Select); coding-DNA position 1790, T replaced by A.
Protein change: p.Leu597Ter; replaces leucine 597 with a stop codon.
Molecular consequence: nonsense.
Genome position (GRCh38, 1-based): chr7:107,701,183, T>A. VCF-style: chr7-107701183-T-A. GRCh37 (hg19) VCF-style: chr7-107341628-T-A.
Other names: short protein forms L597*.
Identifiers: ClinVar variation 1726913 (VCV001726913.2), dbSNP rs55638457, ClinGen allele CA368842993.

ClinVar aggregate classification (germline): Likely pathogenic (1 of 4 stars; one submission).

Conditions:
Pendred syndrome (PDS). Also called: THYROID DYSHORMONOGENESIS 2B; THYROID HORMONOGENESIS, GENETIC DEFECT IN, 2B; DEAFNESS WITH GOITER; GOITER-DEAFNESS SYNDROME; HYPOTHYROIDISM, CONGENITAL, DUE TO DYSHORMONOGENESIS, 2B; Pendred's syndrome. Identifiers: Orphanet 705, MedGen C0271829, MONDO:0010134, OMIM 274600.

Submission:

Myriad Genetics, Inc.
Classification: Likely pathogenic for Pendred syndrome. Last evaluated: 2022-05-02. Review status: criteria provided, single submitter. Criteria: Myriad Women's Health Autosomal Recessive and X-Linked Classification Criteria (2021). Collection method: clinical testing. Allele origin: unknown.
Comment: NM_000441.1(SLC26A4):c.1790T>A(L597*) is expected to be pathogenic in the context of Pendred syndrome. This variant is predicted to lead to an abnormal or absent protein product due to the creation of a premature termination codon in SLC26A4, a gene where loss-of-function variants are known to be pathogenic. Please note: this variant was assessed in the context of healthy population screening.